The following is an entry in ClinVar:

ClinVar aggregate classification (germline): Likely benign. Review status: criteria provided, multiple submitters, no conflicts (2 of 4 stars). 2 submissions from 2 submitters: Likely benign (2). Last evaluated 2025-06-06.

Conditions:
Tuberous sclerosis 2 (TSC2). Identifiers: Orphanet 805, MedGen C1860707, MONDO:0013199, OMIM 613254.

Submissions (2):

Myriad Genetics, Inc.
Classification: Likely benign for Tuberous sclerosis 2. Last evaluated: 2025-06-06. Review status: criteria provided, single submitter. Criteria: Myriad Autosomal Dominant, Autosomal Recessive and X-Linked Classification Criteria (2023). Collection method: clinical testing. Allele origin: unknown.
Comment: This variant is considered likely benign. This variant is intronic and is not expected to impact mRNA splicing.

Labcorp Genetics (formerly Invitae), Labcorp
Classification: Likely benign for Tuberous sclerosis 2. Last evaluated: 2024-04-15. Review status: criteria provided, single submitter. Criteria: Invitae Variant Classification Sherloc (09022015). Collection method: clinical testing. Allele origin: germline.

NM_000548.5(TSC2):c.5160+7G>T

Gene: TSC2 (TSC complex subunit 2; plus strand). Cytogenetic location: 16p13.3.
Variant type: single nucleotide variant.
Coding change: c.5160+7G>T on transcript NM_000548.5 (MANE Select); 7 bases into the intron after coding-DNA position 5160, G replaced by T.
Molecular consequence: intron variant.
Genome position (GRCh38, 1-based): chr16:2,088,146, G>T. VCF-style: chr16-2088146-G-T. GRCh37 (hg19) VCF-style: chr16-2138147-G-T.
Other names: c.5091+7G>T (NM_001114382.3); c.5031+7G>T (NM_021055.3, NM_001370405.1); c.4962+7G>T (NM_001363528.2); c.5028+7G>T (NM_001370404.1); c.4959+7G>T (NM_001077183.3); c.4851+7G>T (NM_001318827.2); c.4428+7G>T (NM_001318831.2); c.4815+7G>T (NM_001318829.2); and 1 more.
Identifiers: ClinVar variation 1103864 (VCV001103864.10), dbSNP rs45506600, ClinGen allele CA2499223354.